The following is an entry in ClinVar:

ClinVar aggregate classification (germline): Conflicting classifications of pathogenicity. Review status: criteria provided, conflicting classifications (1 of 4 stars). 25 submissions from 21 submitters: Uncertain significance (6); Benign (3); Likely benign (10). 6 of the submissions do not count toward it. Last evaluated 2026-01-28.

Conditions:
TTN-related disorder. Also called: TTN-related disorders; TTN-related condition; TTN-related disease.
Cardiovascular phenotype. Identifiers: MedGen CN230736.
Dilated cardiomyopathy 1G (CMD1G). Identifiers: Orphanet 154, MedGen C1858763, MONDO:0011400, OMIM 604145.
Autosomal recessive limb-girdle muscular dystrophy type 2J (LGMDR10). Also called: Limb-girdle muscular dystrophy, type 2J; MUSCULAR DYSTROPHY, LIMB-GIRDLE, AUTOSOMAL RECESSIVE 10. Identifiers: Orphanet 140922, MedGen C1837342, MONDO:0012127, OMIM 608807.
Cardiomyopathy (CMYO). Also called: Cardiomyopathies. Identifiers: Orphanet 167848, MedGen C0878544, MONDO:0004994, HP:0001638. Inheritance: Various modes of inheritance.
Early-onset myopathy with fatal cardiomyopathy (CMYO5). Also called: Salih Myopathy; CONGENITAL MYOPATHY 5 WITH CARDIOMYOPATHY. Identifiers: Orphanet 289377, MedGen C2673677, MONDO:0012714, OMIM 611705. Disease mechanism: loss of function.
Myopathy, myofibrillar, 9, with early respiratory failure (MFM9). Also called: Hereditary myopathy with early respiratory failure; MYOPATHY, PROXIMAL, WITH EARLY RESPIRATORY MUSCLE INVOLVEMENT; Myopathy, distal, with early respiratory failure, autosomal dominant; EDSTROM MYOPATHY. Identifiers: Orphanet 178464, Orphanet 34521, MedGen C1863599, MONDO:0011362, OMIM 603689.
Tibial muscular dystrophy (TMD). Also called: UDD MYOPATHY; Tibial muscular dystrophy, tardive; Udd Distal Myopathy – Tibial Muscular Dystrophy. Identifiers: Orphanet 609, MedGen C1838244, MONDO:0010870, OMIM 600334.

Allele frequency attached by ClinVar (database versions not stated): gnomAD 0.00072 and 0.00070; gnomAD exomes 0.00079; ESP Exome Variant Server 0.00050; 1000 Genomes Project 30x 0.00062; TOPMed 0.00076; 1000 Genomes Project 0.00040; ExAC 0.00081.
gnomAD v4.1: 2,693 of 1,612,464 alleles (0.17%); highest among the groups gnomAD compares: Non-Finnish European, 0.22%; 3 homozygotes.

Submissions (25):

Labcorp Genetics (formerly Invitae), Labcorp
Classification: Likely benign for Dilated cardiomyopathy 1G; Autosomal recessive limb-girdle muscular dystrophy type 2J. Last evaluated: 2026-01-28. Review status: criteria provided, single submitter. Criteria: Invitae Variant Classification Sherloc (09022015). Collection method: clinical testing. Allele origin: germline.

CeGaT Center for Human Genetics Tuebingen
Classification: Likely benign. Last evaluated: 2026-01-01. Review status: criteria provided, single submitter. Criteria: CeGaT Center For Human Genetics Tuebingen Variant Classification Criteria Version 2. Collection method: clinical testing. Allele origin: germline. Affected: yes. Observed: 4 variant alleles.
Comment: TTN: BS2

ARUP Laboratories, Molecular Genetics and Genomics, ARUP Laboratories
Classification: Uncertain significance. Last evaluated: 2025-05-09. Review status: criteria provided, single submitter. Criteria: ARUP Molecular Germline Variant Investigation Process 2024. Collection method: clinical testing. Allele origin: germline.
Comment: The TTN c.47077G>A; p.Val15693Ile variant (rs201717871; ClinVar Variation ID: 96291) is rare in the general population (<0.2% allele frequency in the Genome Aggregation Database) and has not been reported in the medical literature in association with dilated cardiomyopathy (DCM) or other TTN-related disease. The clinical relevance of rare missense variants in this gene, which are identified on average once per individual sequenced in affected populations (Herman 2012), is not well understood. Yet, evidence suggests that the vast majority of such missense variants do not contribute to the clinical outcome of DCM (Begay 2015). Thus, the clinical significance of the p.Val15693Ile variant cannot be determined with certainty. References: Begay RL et al. Role of Titin Missense Variants in Dilated Cardiomyopathy. J Am Heart Assoc. 2015 Nov 13;4(11). PMID: 26567375. Herman DS et al. Truncations of titin causing dilated cardiomyopathy. N Engl J Med. 2012 Feb 16;366(7):619-28. PMID: 22335739. Linke WA and Hamdani N. Gigantic business: titin properties and function through thick and thin. Circ Res 2014; 114(6): 1052-1068. PMID: 24625729.

Molecular Diagnostic Laboratory for Inherited Cardiovascular Disease, Montreal Heart Institute
Classification: Likely benign. Last evaluated: 2025-04-09. Review status: criteria provided, single submitter. Criteria: ACMG Guidelines, 2015. Collection method: clinical testing. Allele origin: germline. Affected: no.
Comment: BS1;BP1

Athena Diagnostics
Classification: Likely benign. Last evaluated: 2025-04-08. Review status: criteria provided, single submitter. Criteria: Athena Diagnostics Criteria. Collection method: clinical testing. Allele origin: unknown.
Comment: The frequency of this variant in the general population is higher than would generally be expected for pathogenic variants in this gene. Computational tools predict this amino acid change may be benign.

Blueprint Genetics
Classification: Likely benign. Last evaluated: 2024-11-14. Review status: criteria provided, single submitter. Criteria: ACMG Guidelines, 2015. Collection method: clinical testing. Allele origin: germline.

Mayo Clinic Laboratories, Mayo Clinic
Classification: Uncertain significance. Last evaluated: 2023-05-26. Review status: criteria provided, single submitter. Criteria: ACMG Guidelines, 2015. Collection method: clinical testing. Allele origin: germline. Observed: 5 variant alleles.
Comment: BP4

Women's Health and Genetics/Laboratory Corporation of America, LabCorp
Classification: Likely benign. Last evaluated: 2022-04-09. Review status: criteria provided, single submitter. Criteria: LabCorp Variant Classification Summary - May 2015. Collection method: clinical testing. Allele origin: germline.

GeneDx
Classification: Likely benign. Last evaluated: 2021-04-14. Review status: criteria provided, single submitter. Criteria: GeneDx Variant Classification Process June 2021. Collection method: clinical testing. Allele origin: germline. Affected: yes.
Comment: This variant is associated with the following publications: (PMID: 23861362)

CHEO Genetics Diagnostic Laboratory, Children's Hospital of Eastern Ontario
Classification: Benign for Cardiomyopathy. Last evaluated: 2019-08-09. Review status: criteria provided, single submitter. Criteria: ACMG Guidelines, 2015. Collection method: clinical testing. Allele origin: germline.

Ambry Genetics
Classification: Likely benign for Cardiovascular phenotype. Last evaluated: 2019-04-08. Review status: criteria provided, single submitter. Criteria: Ambry Variant Classification Scheme 2023. Collection method: clinical testing. Allele origin: germline.

Laboratory for Molecular Medicine, Mass General Brigham Personalized Medicine
Classification: Likely benign. Last evaluated: 2018-11-26. Review status: criteria provided, single submitter. Criteria: LMM Criteria. Collection method: clinical testing. Allele origin: germline. Observed: 4 variant alleles.
Comment: The p.Val13125Ile variant in TTN is classified as likely benign because it has been identified as 0.1% (160/125582) of European chromosomes by gnomAD. ACMG/AMP Criteria applied: BS1.

Illumina Laboratory Services, Illumina
Classification: Benign for Myopathy, myofibrillar, 9, with early respiratory failure. Last evaluated: 2018-01-13. Review status: criteria provided, single submitter. Criteria: ICSL Variant Classification Criteria 13 December 2019. Collection method: clinical testing. Allele origin: germline.
Comment: This variant was observed in the ICSL laboratory as part of a predisposition screen in an ostensibly healthy population. It had not been previously curated by ICSL or reported in the Human Gene Mutation Database (HGMD: prior to June 1st, 2018), and was therefore a candidate for classification through an automated scoring system. Utilizing variant allele frequency, disease prevalence and penetrance estimates, and inheritance mode, an automated score was calculated to assess if this variant is too frequent to cause the disease. Based on the score and internal cut-off values, a variant classified as benign is not then subjected to further curation. The score for this variant resulted in a classification of benign for this disease.

Illumina Laboratory Services, Illumina
Classification: Uncertain significance for Dilated cardiomyopathy 1G. Last evaluated: 2018-01-13. Review status: criteria provided, single submitter. Criteria: ICSL Variant Classification Criteria 13 December 2019. Collection method: clinical testing. Allele origin: germline.

Illumina Laboratory Services, Illumina
Classification: Uncertain significance for Early-onset myopathy with fatal cardiomyopathy. Last evaluated: 2018-01-13. Review status: criteria provided, single submitter. Criteria: ICSL Variant Classification Criteria 13 December 2019. Collection method: clinical testing. Allele origin: germline.

Illumina Laboratory Services, Illumina
Classification: Uncertain significance for Autosomal recessive limb-girdle muscular dystrophy type 2J. Last evaluated: 2018-01-13. Review status: criteria provided, single submitter. Criteria: ICSL Variant Classification Criteria 13 December 2019. Collection method: clinical testing. Allele origin: germline.

Illumina Laboratory Services, Illumina
Classification: Benign for Tibial muscular dystrophy. Last evaluated: 2018-01-13. Review status: criteria provided, single submitter. Criteria: ICSL Variant Classification Criteria 13 December 2019. Collection method: clinical testing. Allele origin: germline.
Comment: the same text as in the submission from Illumina Laboratory Services, Illumina above.

Eurofins Ntd Llc (ga)
Classification: Uncertain significance. Last evaluated: 2016-01-14. Review status: criteria provided, single submitter. Criteria: EGL Classification Definitions 2015. Collection method: clinical testing. Allele origin: germline. Observed: 4 variant alleles, 4 heterozygotes.

Biesecker Lab/Clinical Genomics Section, National Institutes of Health
Classification: Likely benign. Last evaluated: 2013-06-24. Review status: criteria provided, single submitter. Criteria: Ng et al. (Circ Cardiovasc Genet. 2013). Collection method: research. Allele origin: unknown. Observed: 2 variant alleles. Study: ClinSeq.
Comment: The study set was not selected for affection status in relation to any cancer. Pathogenicity categories were based on literature curation. See Pubmed ID:23861362 for details.

Medical sequencing

PreventionGenetics, part of Exact Sciences
Classification: Likely benign for TTN-related condition. Last evaluated: 2020-10-12. Review status: no assertion criteria provided. Collection method: clinical testing. Allele origin: germline. Not counted in ClinVar's aggregate classification.
Comment: This variant is classified as likely benign based on ACMG/AMP sequence variant interpretation guidelines (Richards et al. 2015 PMID: 25741868, with internal and published modifications).

Clinical Genetics DNA and cytogenetics Diagnostics Lab, Erasmus MC, Erasmus Medical Center
Classification: Likely benign. Review status: no assertion criteria provided. Collection method: clinical testing. Allele origin: germline. Affected: yes. Study: VKGL Data-share Consensus. Not counted in ClinVar's aggregate classification.

Clinical Genetics, Academic Medical Center
Classification: Likely benign. Review status: no assertion criteria provided. Collection method: clinical testing. Allele origin: germline. Affected: yes. Study: VKGL Data-share Consensus. Not counted in ClinVar's aggregate classification.

Diagnostic Laboratory, Department of Genetics, University Medical Center Groningen
Classification: Likely benign. Review status: no assertion criteria provided. Collection method: clinical testing. Allele origin: germline. Affected: yes. Study: VKGL Data-share Consensus. Not counted in ClinVar's aggregate classification.

Genome Diagnostics Laboratory, University Medical Center Utrecht
Classification: Likely benign. Review status: no assertion criteria provided. Collection method: clinical testing. Allele origin: germline. Affected: yes. Study: VKGL Data-share Consensus. Not counted in ClinVar's aggregate classification.

Joint Genome Diagnostic Labs from Nijmegen and Maastricht, Radboudumc and MUMC+
Classification: Likely benign. Review status: no assertion criteria provided. Collection method: clinical testing. Allele origin: germline. Affected: yes. Study: VKGL Data-share Consensus. Not counted in ClinVar's aggregate classification.

Literature cited by the submitters: PubMed 23861362 (cited by Athena Diagnostics and Ambry Genetics).

NM_001267550.2(TTN):c.47077G>A (p.Val15693Ile)

Genes: TTN (titin; minus strand), TTN-AS1 (TTN antisense RNA 1; plus strand). Cytogenetic location: 2q31.2.
Variant type: single nucleotide variant.
Coding change: c.47077G>A on transcript NM_001267550.2 (MANE Select); coding-DNA position 47077, G replaced by A.
Protein change: p.Val15693Ile; replaces valine 15693 with isoleucine.
Molecular consequence: missense variant.
Genome position (GRCh38, 1-based): chr2:178,618,381, C>T on the plus strand (G>A on the coding strand, the complement: TTN is on the minus strand). VCF-style: chr2-178618381-C-T. GRCh37 (hg19) VCF-style: chr2-179483108-C-T.
Other names: p.V14052I:GTT>ATT; c.42154G>A, p.Val14052Ile (NM_001256850.1); c.19882G>A, p.Val6628Ile (NM_003319.4); c.39373G>A, p.Val13125Ile (NM_133378.4); c.20257G>A, p.Val6753Ile (NM_133432.3); c.20458G>A, p.Val6820Ile (NM_133437.4); short protein forms V13125I, V15693I, V14052I, V6628I, V6753I, V6820I.
Identifiers: ClinVar variation 96291 (VCV000096291.85), dbSNP rs201717871, ClinGen allele CA181789.
Genomic context (GRCh38, chr2:178,618,381, plus strand): 5'-TCTCTGCACGGTCTGTGGCCAGAACCCAGGTCTTTCTCTTAATGTCACGTCTTTCAACAA[C>T]GTAACCTATGATTTTGCTTCCACCATCAGTTAAAGGTTCTTCCCAAGCAAGGCTCACTTC-3'
Protein context (NP_001254479.2, residues 15683-15703): TDGGSKIIGY[Val15693Ile]VERRDIKRKT